The following is an entry in ClinVar:

NM_032444.4(SLX4):c.3401C>T (p.Ser1134Leu)

Gene: SLX4 (SLX4 structure-specific endonuclease subunit; minus strand). Cytogenetic location: 16p13.3.
Variant type: single nucleotide variant.
Coding change: c.3401C>T on transcript NM_032444.4 (MANE Select); coding-DNA position 3401, C replaced by T.
Protein change: p.Ser1134Leu; replaces serine 1134 with leucine.
Molecular consequence: missense variant.
Genome position (GRCh38, 1-based): chr16:3,590,237, G>A on the plus strand (C>T on the coding strand, the complement: SLX4 is on the minus strand). VCF-style: chr16-3590237-G-A. GRCh37 (hg19) VCF-style: chr16-3640238-G-A.
Other names: c.3401C>T (NM_032444.2); short protein forms S1134L.
Identifiers: ClinVar variation 1424777 (VCV001424777.9), dbSNP rs1433489753, ClinGen allele CA394520214.
Genomic context (GRCh38, chr16:3,590,237, plus strand): 5'-AAGAGGATGACCTCATCTTCTTCGTTCAGTTTGGATGAAGATTTCTGAGATCTGGAGCTC[G>A]AATGGTCAGGATTTGACTGGGTTAGGTCAATAGACGGAGATTTTTCTGGGAACATCAGGA-3'
Protein context (NP_115820.2, residues 1124-1144): IDLTQSNPDH[Ser1134Leu]SSRSQKSSSK

ClinVar aggregate classification (germline): Conflicting classifications of pathogenicity. Review status: criteria provided, conflicting classifications (1 of 4 stars). 3 submissions from 3 submitters: Uncertain significance (2); Likely benign (1). Last evaluated 2025-08-29.

Conditions:
Fanconi anemia complementation group P. Also called: SLX4-Related Fanconi Anemia. Identifiers: Orphanet 84, MedGen C3469542, MONDO:0013499, OMIM 613951.
Fanconi anemia (FA). Also called: Fanconi's anemia. Identifiers: Orphanet 84, MedGen C0015625, MeSH D005199, MONDO:0019391.
Inborn genetic diseases. Identifiers: MedGen C0950123, MeSH D030342.

Allele frequency attached by ClinVar (database versions not stated): TOPMed 0.00001.
gnomAD v4.1: 3 of 1,614,192 alleles (0.00019%); highest among the groups gnomAD compares: African/African-American, 0.0013%; no homozygotes.

Submissions (3):

Ambry Genetics
Classification: Likely benign for Inborn genetic diseases. Last evaluated: 2025-08-29. Review status: criteria provided, single submitter. Criteria: Ambry Variant Classification Scheme 2023. Collection method: clinical testing. Allele origin: germline.

Labcorp Genetics (formerly Invitae), Labcorp
Classification: Uncertain significance for Fanconi anemia. Last evaluated: 2022-03-26. Review status: criteria provided, single submitter. Criteria: Invitae Variant Classification Sherloc (09022015). Collection method: clinical testing. Allele origin: germline.
Comment: Algorithms developed to predict the effect of missense changes on protein structure and function output the following: SIFT: "Tolerated"; PolyPhen-2: "Benign"; Align-GVGD: "Class C0". The leucine amino acid residue is found in multiple mammalian species, which suggests that this missense change does not adversely affect protein function. In summary, the available evidence is currently insufficient to determine the role of this variant in disease. Therefore, it has been classified as a Variant of Uncertain Significance. This sequence change replaces serine, which is neutral and polar, with leucine, which is neutral and non-polar, at codon 1134 of the SLX4 protein (p.Ser1134Leu). This variant is not present in population databases (gnomAD no frequency). This variant has not been reported in the literature in individuals affected with SLX4-related conditions.

Fulgent Genetics
Classification: Uncertain significance for Fanconi anemia complementation group P. Last evaluated: 2021-09-20. Review status: criteria provided, single submitter. Criteria: ACMG Guidelines, 2015. Collection method: clinical testing. Allele origin: unknown.